The following is an entry in ClinVar:

ClinVar aggregate classification (germline): Uncertain significance (1 of 4 stars; one submission).

Submission:

Labcorp Genetics (formerly Invitae), Labcorp
Classification: Uncertain significance. Last evaluated: 2021-09-15. Review status: criteria provided, single submitter. Criteria: Invitae Variant Classification Sherloc (09022015). Collection method: clinical testing. Allele origin: germline.
Comment: In summary, the available evidence is currently insufficient to determine the role of this variant in disease. Therefore, it has been classified as a Variant of Uncertain Significance. Algorithms developed to predict the effect of missense changes on protein structure and function are either unavailable or do not agree on the potential impact of this missense change (SIFT: "Deleterious"; PolyPhen-2: "Probably Damaging"; Align-GVGD: "Class C0"). This variant has not been reported in the literature in individuals affected with EMC1-related conditions. This variant is not present in population databases (ExAC no frequency). This sequence change replaces leucine with proline at codon 293 of the EMC1 protein (p.Leu293Pro). The leucine residue is highly conserved and there is a moderate physicochemical difference between leucine and proline.

NM_015047.3(EMC1):c.878T>C (p.Leu293Pro)

Genes: EMC1 (ER membrane protein complex subunit 1; minus strand), EMC1-AS1 (EMC1 antisense RNA 1; plus strand). Cytogenetic location: 1p36.13.
Variant type: single nucleotide variant.
Coding change: c.878T>C on transcript NM_015047.3 (MANE Select); coding-DNA position 878, T replaced by C.
Protein change: p.Leu293Pro; replaces leucine 293 with proline.
Molecular consequence: missense variant.
Genome position (GRCh38, 1-based): chr1:19,239,894, A>G on the plus strand (T>C on the coding strand, the complement: EMC1 is on the minus strand). VCF-style: chr1-19239894-A-G. GRCh37 (hg19) VCF-style: chr1-19566388-A-G.
Other names: c.878T>C, p.Leu293Pro (NM_001271427.2, NM_001271428.2, NM_001375820.1 and 1 more transcripts); c.812T>C, p.Leu271Pro (NM_001271429.2); short protein forms L271P, L293P.
Identifiers: ClinVar variation 1381405 (VCV001381405.6), dbSNP rs2151958188, ClinGen allele CA338768164.